The following is an entry in ClinVar:

ClinVar aggregate classification (germline): Pathogenic/Likely pathogenic. Review status: criteria provided, multiple submitters, no conflicts (2 of 4 stars). 3 submissions from 3 submitters: Pathogenic (2); Likely pathogenic (1). Last evaluated 2025-11-14.

Conditions:
CEP290-related ciliopathy. Also called: CEP290 ciliopathy. Identifiers: MedGen CN305601, MONDO:0100451.
CEP290-related disorder. Also called: CEP290-related condition; CEP290-related disorders. Identifiers: MedGen CN239314.
Meckel-Gruber syndrome. Also called: Dysencephalia splachnocystica; DYSENCEPHALIA SPLANCHNOCYSTICA; GRUBER SYNDROME. Identifiers: Orphanet 564, MedGen C0265215, MONDO:0018921.
Nephronophthisis. Also called: Juvenile Nephronophthisis. Identifiers: Orphanet 655, MedGen C0687120, MONDO:0019005, HP:0000090.
Joubert syndrome. Also called: JOUBERT-BOLTSHAUSER SYNDROME; Familial aplasia of the vermis. Identifiers: Orphanet 475, MedGen C5979921, MONDO:0018772.

Allele frequency attached by ClinVar (database versions not stated): ExAC 0.00001.
gnomAD v4.1: 4 of 1,594,676 alleles (0.00025%); highest among the groups gnomAD compares: Non-Finnish European, 0.00034%; no homozygotes.

Submissions (3):

Myriad Genetics, Inc.
Classification: Pathogenic for CEP290-related ciliopathy. Last evaluated: 2025-11-14. Review status: criteria provided, single submitter. Criteria: Myriad Autosomal Dominant, Autosomal Recessive and X-Linked Classification Criteria (2023). Collection method: clinical testing. Allele origin: unknown.
Comment: NM_025114.3(CEP290):c.3934A>T(R1312*) is expected to be pathogenic in the context of CEP290-related disorders. This variant is predicted to lead to an abnormal or absent protein product due to the creation of a premature termination codon in CEP290, a gene where loss-of-function variants are known to be pathogenic. Please note: this variant was assessed in the context of healthy population screening.

Labcorp Genetics (formerly Invitae), Labcorp
Classification: Pathogenic for Joubert syndrome; Meckel-Gruber syndrome; Nephronophthisis. Last evaluated: 2024-01-09. Review status: criteria provided, single submitter. Criteria: Invitae Variant Classification Sherloc (09022015). Collection method: clinical testing. Allele origin: germline.
Comment: This sequence change creates a premature translational stop signal (p.Arg1312*) in the CEP290 gene. It is expected to result in an absent or disrupted protein product. Loss-of-function variants in CEP290 are known to be pathogenic (PMID: 16909394, 17345604, 20690115). This variant is present in population databases (rs774705706, gnomAD 0.0009%). This premature translational stop signal has been observed in individual(s) with Leber congenital amaurosis (PMID: 19764032). ClinVar contains an entry for this variant (Variation ID: 1032904). For these reasons, this variant has been classified as Pathogenic.

Blueprint Genetics
Classification: Likely pathogenic for CEP290-related disorders. Last evaluated: 2021-11-22. Review status: criteria provided, single submitter. Criteria: ACMG Guidelines, 2015. Collection method: clinical testing. Allele origin: germline. Affected: yes. Observed: 2 variant alleles.

Literature cited by the submitters: PubMed 16909394 (cited by Labcorp Genetics (formerly Invitae), Labcorp); PubMed 17345604 (cited by Labcorp Genetics (formerly Invitae), Labcorp); PubMed 20690115 (cited by Labcorp Genetics (formerly Invitae), Labcorp); PubMed 19764032 (cited by Labcorp Genetics (formerly Invitae), Labcorp).

NM_025114.4(CEP290):c.3934A>T (p.Arg1312Ter)

Gene: CEP290 (centrosomal protein 290; minus strand). Cytogenetic location: 12q21.32.
Variant type: single nucleotide variant.
Coding change: c.3934A>T on transcript NM_025114.4 (MANE Select); coding-DNA position 3934, A replaced by T.
Protein change: p.Arg1312Ter; replaces arginine 1312 with a stop codon.
Molecular consequence: nonsense.
Genome position (GRCh38, 1-based): chr12:88,089,127, T>A on the plus strand (A>T on the coding strand, the complement: CEP290 is on the minus strand). VCF-style: chr12-88089127-T-A. GRCh37 (hg19) VCF-style: chr12-88482904-T-A.
Other names: short protein forms R1312*.
Identifiers: ClinVar variation 1032904 (VCV001032904.10), dbSNP rs774705706, ClinGen allele CA6712056.